The following is an entry in ClinVar:

ClinVar aggregate classification (germline): Pathogenic (1 of 4 stars; one submission).

Conditions:
Abetalipoproteinaemia (ABL). Also called: MTP DEFICIENCY; Abetalipoproteinemia; Abetalipoproteinemia neuropathy; Apolipoprotein B deficiency; Congenital betalipoprotein deficiency syndrome. Identifiers: Orphanet 14, MedGen C0000744, MONDO:0008692, OMIM 200100, HP:0008181.

Submission:

Myriad Genetics, Inc.
Classification: Pathogenic for Abetalipoproteinaemia. Last evaluated: 2024-05-14. Review status: criteria provided, single submitter. Criteria: Myriad Autosomal Dominant, Autosomal Recessive and X-Linked Classification Criteria (2023). Collection method: clinical testing. Allele origin: unknown.
Comment: NM_000253.2(MTTP):c.701_702ins11(E234Dfs*11) is expected to be pathogenic in the context of abetalipoproteinemia. This variant is predicted to lead to an abnormal or absent protein product due to the creation of a premature termination codon in MTTP, a gene where loss-of-function variants are known to be pathogenic. Please note: this variant was assessed in the context of healthy population screening.

NM_001386140.1(MTTP):c.701_702insTGTAGCTTTTG (p.Glu234fs)

Gene: MTTP (microsomal triglyceride transfer protein; plus strand). Cytogenetic location: 4q23.
Variant type: Insertion.
Coding change: c.701_702insTGTAGCTTTTG on transcript NM_001386140.1 (MANE Select); coding-DNA positions 701 to 702, TGTAGCTTTTG inserted.
Protein change: p.Glu234fs; shifts the reading frame from glutamic acid 234.
Molecular consequence: frameshift variant.
Genome position: GRCh38 VCF-style: chr4-99591733-A-ATGTAGCTTTTG. GRCh37 (hg19) VCF-style: chr4-100512890-A-ATGTAGCTTTTG.
Other names: c.701_702insTGTAGCTTTTG, p.Glu234fs (NM_000253.4); c.452_453insTGTAGCTTTTG, p.Glu151fs (NM_001300785.2); short protein forms E151fs, E234fs.
Identifiers: ClinVar variation 5010960 (VCV005010960.1).
Genomic context (GRCh38, chr4:99,591,733, plus strand): 5'-CTACATCTGTCACCACCTATAAGATAGAAGACAGCTTTGTTATAGCTGTGCTTGCTGAAG[A>ATGTAGCTTTTG]AACACACAATTTTGGACTGAATTTCCTACAAACCATTAAGGGGAAAATAGTATCGAAGTA-3'